The following is an entry in ClinVar:

ClinVar aggregate classification (germline): Uncertain significance. Review status: criteria provided, multiple submitters, no conflicts (2 of 4 stars). 2 submissions from 2 submitters: Uncertain significance (2). Last evaluated 2022-03-25.

Conditions:
Inborn genetic diseases. Identifiers: MedGen C0950123, MeSH D030342.

Submissions (2):

Ambry Genetics
Classification: Uncertain significance for Inborn genetic diseases. Last evaluated: 2022-03-25. Review status: criteria provided, single submitter. Criteria: Ambry Variant Classification Scheme 2023. Collection method: clinical testing. Allele origin: germline.
Comment: The c.964_975dupATGGCGGTGGCG (p.M322_A325dup) alteration is located in exon 8 (coding exon 8) of the AP3B2 gene. The alteration consists of an in-frame duplication of 12 nucleotides from position 964 to 975, resulting in the duplication of <NA> residues. Based on insufficient or conflicting evidence, the clinical significance of this alteration remains unclear.

Labcorp Genetics (formerly Invitae), Labcorp
Classification: Uncertain significance. Last evaluated: 2021-05-26. Review status: criteria provided, single submitter. Criteria: Invitae Variant Classification Sherloc (09022015). Collection method: clinical testing. Allele origin: germline.
Comment: In summary, the available evidence is currently insufficient to determine the role of this variant in disease. Therefore, it has been classified as a Variant of Uncertain Significance. Experimental studies and prediction algorithms are not available or were not evaluated, and the functional significance of this variant is currently unknown. This variant has not been reported in the literature in individuals with AP3B2-related conditions. The frequency data for this variant in the population databases is considered unreliable, as metrics indicate poor data quality at this position in the ExAC database. This variant, c.964_975dup, results in the insertion of 4 amino acid(s) to the AP3B2 protein (p.Met322_Ala325dup), but otherwise preserves the integrity of the reading frame.

NM_001278512.2(AP3B2):c.964_975dup (p.Met322_Ala325dup)

Genes: AP3B2 (adaptor related protein complex 3 subunit beta 2; minus strand), CPEB1-AS1 (CPEB1 antisense RNA 1; plus strand). Cytogenetic location: 15q25.2.
Variant type: Duplication.
Coding change: c.964_975dup on transcript NM_001278512.2 (MANE Select); coding-DNA positions 964 to 975, 12 bases duplicated (ATGGCGGTGGCG).
Protein change: p.Met322_Ala325dup.
Molecular consequence: inframe insertion.
Genome position (GRCh38, 1-based): chr15:82,680,552-82,680,563, CGCCACCGCCAT duplicated on the plus strand (ATGGCGGTGGCG on the coding strand, the reverse complement: AP3B2 is on the minus strand); duplicating any 12 consecutive bases within chr15:82,680,552-82,680,564 gives the same sequence; the c. name uses the placement nearest the transcript's 3' end. VCF-style (leftmost placement, unchanged base first): chr15-82680551-G-GCGCCACCGCCAT. GRCh37 (hg19) VCF-style: chr15-83349303-G-GCGCCACCGCCAT.
Other names: c.868_879dup, p.Met290_Ala293dup (NM_001278511.2); c.964_975dup, p.Met322_Ala325dup (NM_004644.5); c.964_975dupATGGCGGTGGCG (NM_004644.3).
Identifiers: ClinVar variation 1397415 (VCV001397415.7), dbSNP rs767180495, ClinGen allele CA7700355.